The following is an entry in ClinVar:

NM_006231.4(POLE):c.4102G>T (p.Val1368Leu)

Gene: POLE (DNA polymerase epsilon, catalytic subunit; minus strand). Cytogenetic location: 12q24.33.
Variant type: single nucleotide variant.
Coding change: c.4102G>T on transcript NM_006231.4 (MANE Select); coding-DNA position 4102, G replaced by T.
Protein change: p.Val1368Leu; replaces valine 1368 with leucine.
Molecular consequence: missense variant.
Genome position (GRCh38, 1-based): chr12:132,648,976, C>A on the plus strand (G>T on the coding strand, the complement: POLE is on the minus strand). VCF-style: chr12-132648976-C-A. GRCh37 (hg19) VCF-style: chr12-133225562-C-A.
Other names: c.4102G>T (NM_006231.2); short protein forms V1368L.
Identifiers: ClinVar variation 1497437 (VCV001497437.9), dbSNP rs770558983, ClinGen allele CA387383716.

ClinVar aggregate classification (germline): Uncertain significance. Review status: criteria provided, multiple submitters, no conflicts (2 of 4 stars). 2 submissions from 2 submitters: Uncertain significance (2). Last evaluated 2023-06-28.

Conditions:
Hereditary cancer-predisposing syndrome. Also called: Tumor predisposition; Hereditary neoplastic syndrome; Neoplastic Syndromes, Hereditary; Hereditary Cancer Syndrome. Identifiers: Orphanet 140162, MedGen C0027672, MeSH D009386, MONDO:0015356.

Submissions (2):

Ambry Genetics
Classification: Uncertain significance for Hereditary cancer-predisposing syndrome. Last evaluated: 2023-06-28. Review status: criteria provided, single submitter. Criteria: Ambry Variant Classification Scheme 2023. Collection method: clinical testing. Allele origin: germline.
Comment: The p.V1368L variant (also known as c.4102G>T), located in coding exon 32 of the POLE gene, results from a G to T substitution at nucleotide position 4102. The valine at codon 1368 is replaced by leucine, an amino acid with highly similar properties. This amino acid position is conserved. In addition, this alteration is predicted to be tolerated by in silico analysis. Since supporting evidence is limited at this time, the clinical significance of this alteration remains unclear.

Labcorp Genetics (formerly Invitae), Labcorp
Classification: Uncertain significance. Last evaluated: 2021-07-03. Review status: criteria provided, single submitter. Criteria: Invitae Variant Classification Sherloc (09022015). Collection method: clinical testing. Allele origin: germline.
Comment: In summary, the available evidence is currently insufficient to determine the role of this variant in disease. Therefore, it has been classified as a Variant of Uncertain Significance. Algorithms developed to predict the effect of missense changes on protein structure and function (SIFT, PolyPhen-2, Align-GVGD) all suggest that this variant is likely to be tolerated, but these predictions have not been confirmed by published functional studies and their clinical significance is uncertain. This variant has not been reported in the literature in individuals with POLE-related conditions. This variant is not present in population databases (ExAC no frequency). This sequence change replaces valine with leucine at codon 1368 of the POLE protein (p.Val1368Leu). The valine residue is highly conserved and there is a small physicochemical difference between valine and leucine.